The following is an entry in ClinVar:

NM_005235.3(ERBB4):c.3327C>G (p.Gly1109=)

Gene: ERBB4 (erb-b2 receptor tyrosine kinase 4; minus strand). Cytogenetic location: 2q34.
Variant type: single nucleotide variant.
Coding change: c.3327C>G on transcript NM_005235.3 (MANE Select); coding-DNA position 3327, C replaced by G.
Protein change: p.Gly1109=; no amino-acid change (glycine 1109 retained).
Molecular consequence: synonymous variant.
Genome position (GRCh38, 1-based): chr2:211,387,007, G>C on the plus strand (C>G on the coding strand, the complement: ERBB4 is on the minus strand). VCF-style: chr2-211387007-G-C. GRCh37 (hg19) VCF-style: chr2-212251732-G-C.
Other names: c.3279C>G, p.Gly1093= (NM_001042599.2).
Identifiers: ClinVar variation 3054637 (VCV003054637.2), dbSNP rs1461973181, ClinGen allele CA431125592.

ClinVar aggregate classification (germline): Likely benign (0 of 4 stars; one submission).

Conditions:
ERBB4-related disorder. Also called: ERBB4-related condition.

gnomAD v4.1: 6 of 1,614,040 alleles (0.00037%); highest among the groups gnomAD compares: Non-Finnish European, 0.00051%; no homozygotes.

Submission:

PreventionGenetics, part of Exact Sciences
Classification: Likely benign for ERBB4-related condition. Last evaluated: 2023-07-13. Review status: no assertion criteria provided. Collection method: clinical testing. Allele origin: germline.
Comment: This variant is classified as likely benign based on ACMG/AMP sequence variant interpretation guidelines (Richards et al. 2015 PMID: 25741868, with internal and published modifications).